The following is an entry in ClinVar:

NC_000013.11:g.105674274_106213814dup

Genes: LINC00343 (long intergenic non-protein coding RNA 343; plus strand), LOC126861837 (P300/CBP strongly-dependent group 1 enhancer GRCh37_chr13:106571137-106572336; plus strand), LOC126861838 (BRD4-independent group 4 enhancer GRCh37_chr13:106609871-106611070; plus strand). Cytogenetic location: 13q33.2.
Variant type: Duplication.
Identifiers: ClinVar variation 157297 (VCV000157297.3).

ClinVar aggregate classification (germline): not provided (0 of 4 stars; one submission).

Conditions:
Normal pregnancy. Identifiers: MedGen C0232989.

Submission:

Institute of Molecular and Cell Biology, University of Tartu
No classification provided. Condition: Normal pregnancy. Review status: no classification provided. Collection method: case-control. Allele origin: unknown. Affected: yes. Study: Kasak2014.
Comment: The study aimed to determine the contribution of copy number variants in the genetic etiology of normal and complicated pregnancies. The samples represented (i) maternal blood DNA drawn from healthy pregnant women during 1st or 2nd trimester and (ii) maternal and paternal blood DNA drawn at term pregnancy cases representing normal and complicated gestations (severe preeclampsia, PE; gestational diabetes, GD; small-for-gestational age newborn, SGA; large-for-gestational age newborn, LGA). We performed CNV calling based on genome-wide genotyping dataset (Illumina HumanOmniExpress-24-v1 BeadChip) by applying three algorithms, QuantiSNP, GADA (Genome Alteration Detection Algorithm) and CNstream in parallel. The acquired CNV calls were merged with HD-CNV (Hotspot Detector for Copy Number Variants) program and only the CNVs predicted by at least two programs, were considered in subsequent analysis.

Literature cited by the submitters: PubMed 25666259.